The following is an entry in ClinVar:

ClinVar aggregate classification (germline): Uncertain significance (1 of 4 stars; one submission).

Submission:

GeneDx
Classification: Uncertain significance. Last evaluated: 2025-06-18. Review status: criteria provided, single submitter. Criteria: GeneDx Variant Classification Process June 2021. Collection method: clinical testing. Allele origin: germline. Affected: yes.
Comment: Not observed at significant frequency in large population cohorts (gnomAD); In silico analysis suggests that this missense variant does not alter protein structure/function; Has not been previously published as pathogenic or benign to our knowledge; This variant is associated with the following publications: (PMID: 22696272)

NM_000093.5(COL5A1):c.109G>A (p.Ala37Thr)

Gene: COL5A1 (collagen type V alpha 1 chain; plus strand). Cytogenetic location: 9q34.3.
Variant type: single nucleotide variant.
Coding change: c.109G>A on transcript NM_000093.5 (MANE Select); coding-DNA position 109, G replaced by A.
Protein change: p.Ala37Thr; replaces alanine 37 with threonine.
Molecular consequence: missense variant.
Genome position (GRCh38, 1-based): chr9:134,642,296, G>A. VCF-style: chr9-134642296-G-A. GRCh37 (hg19) VCF-style: chr9-137534142-G-A.
Other names: c.109G>A, p.Ala37Thr (NM_001278074.1); short protein forms A37T.
Identifiers: ClinVar variation 4538869 (VCV004538869.1).
Genomic context (GRCh38, chr9:134,642,296, plus strand): 5'-GCCCCGCTGCTGCCCCCGCTGCTGCTGCTGCTGCTGTGGGCGCCGCCTCCGAGCCGCGCA[G>A]GTAAGGGCGCCCCGGGGCGCGGGGCTGCGGGATGGGGCGCGCGCAGCCCGGGCGCCGCTG-3'
Protein context (NP_000084.3, residues 27-47): LLWAPPPSRA[Ala37Thr]QPADLLKVLD